The following is an entry in ClinVar:

NM_000535.7(PMS2):c.641T>C (p.Val214Ala)

Gene: PMS2 (PMS1 homolog 2, mismatch repair system component; minus strand). Cytogenetic location: 7p22.1.
Variant type: single nucleotide variant.
Coding change: c.641T>C on transcript NM_000535.7 (MANE Select); coding-DNA position 641, T replaced by C.
Protein change: p.Val214Ala; replaces valine 214 with alanine.
Molecular consequence: missense variant. On other transcripts: intron variant (9), 5 prime UTR variant (2), non-coding transcript variant (1).
Genome position (GRCh38, 1-based): chr7:5,999,172, A>G on the plus strand (T>C on the coding strand, the complement: PMS2 is on the minus strand). VCF-style: chr7-5999172-A-G. GRCh37 (hg19) VCF-style: chr7-6038803-A-G.
Other names: c.597+44T>C (NM_001406869.1); c.236T>C, p.Val79Ala (NM_001018040.1, NM_001322003.2, NM_001322004.2 and 20 more transcripts); c.641T>C, p.Val214Ala (NM_001322006.2, NM_001322014.2, NM_001406870.1 and 4 more transcripts); c.323T>C, p.Val108Ala (NM_001322007.2, NM_001322008.2, NM_001406876.1 and 4 more transcripts); c.-293T>C (NM_001322011.2, NM_001322012.2); c.332T>C, p.Val111Ala (NM_001322015.2, NM_001406875.1, NM_001406877.1 and 6 more transcripts); c.827T>C, p.Val276Ala (NM_001406866.1); c.665T>C, p.Val222Ala (NM_001406868.1); and 6 more; short protein forms V108A, V214A, V102A, V222A, V276A, V79A, V111A.
Identifiers: ClinVar variation 2702385 (VCV002702385.4), dbSNP rs864622706, ClinGen allele CA366743930.

ClinVar aggregate classification (germline): Uncertain significance. Review status: criteria provided, multiple submitters, no conflicts (2 of 4 stars). 2 submissions from 2 submitters: Uncertain significance (2). Last evaluated 2023-12-12.

Conditions:
Hereditary nonpolyposis colorectal neoplasms. Identifiers: MedGen C0009405, MeSH D003123.
Hereditary cancer-predisposing syndrome. Also called: Hereditary neoplastic syndrome; Neoplastic Syndromes, Hereditary; Hereditary Cancer Syndrome; Tumor predisposition. Identifiers: Orphanet 140162, MedGen C0027672, MeSH D009386, MONDO:0015356.

Submissions (2):

Labcorp Genetics (formerly Invitae), Labcorp
Classification: Uncertain significance for Hereditary nonpolyposis colorectal neoplasms. Last evaluated: 2023-12-12. Review status: criteria provided, single submitter. Criteria: Invitae Variant Classification Sherloc (09022015). Collection method: clinical testing. Allele origin: germline.
Comment: This sequence change replaces valine, which is neutral and non-polar, with alanine, which is neutral and non-polar, at codon 214 of the PMS2 protein (p.Val214Ala). This variant is not present in population databases (gnomAD no frequency). This variant has not been reported in the literature in individuals affected with PMS2-related conditions. Advanced modeling of protein sequence and biophysical properties (such as structural, functional, and spatial information, amino acid conservation, physicochemical variation, residue mobility, and thermodynamic stability) has been performed at Invitae for this missense variant, however the output from this modeling did not meet the statistical confidence thresholds required to predict the impact of this variant on PMS2 protein function. In summary, the available evidence is currently insufficient to determine the role of this variant in disease. Therefore, it has been classified as a Variant of Uncertain Significance.

Ambry Genetics
Classification: Uncertain significance for Hereditary cancer-predisposing syndrome. Last evaluated: 2018-01-19. Review status: criteria provided, single submitter. Criteria: Ambry Variant Classification Scheme 2023. Collection method: clinical testing. Allele origin: germline.